The following is an entry in ClinVar:

NM_144969.3(ZDHHC15):c.667T>C (p.Phe223Leu)

Gene: ZDHHC15 (zDHHC palmitoyltransferase 15; minus strand). Cytogenetic location: Xq13.3.
Variant type: single nucleotide variant.
Coding change: c.667T>C on transcript NM_144969.3 (MANE Select); coding-DNA position 667, T replaced by C.
Protein change: p.Phe223Leu; replaces phenylalanine 223 with leucine.
Molecular consequence: missense variant.
Genome position (GRCh38, 1-based): chrX:75,424,721, A>G on the plus strand (T>C on the coding strand, the complement: ZDHHC15 is on the minus strand). VCF-style: chrX-75424721-A-G. GRCh37 (hg19) VCF-style: chrX-74644556-A-G.
Other names: c.640T>C, p.Phe214Leu (NM_001146256.2); short protein forms F214L, F223L.
Identifiers: ClinVar variation 3026956 (VCV003026956.22), dbSNP rs2519984562, ClinGen allele CA413682866.

ClinVar aggregate classification (germline): Uncertain significance (1 of 4 stars; one submission).

Submission:

CeGaT Center for Human Genetics Tuebingen
Classification: Uncertain significance. Last evaluated: 2024-01-01. Review status: criteria provided, single submitter. Criteria: CeGaT Center For Human Genetics Tuebingen Variant Classification Criteria Version 2. Collection method: clinical testing. Allele origin: germline. Affected: yes. Observed: 1 variant allele.
Comment: ZDHHC15: PM2